The following is an entry in ClinVar:

ClinVar aggregate classification (germline): Uncertain significance (1 of 4 stars; one submission).

Conditions:
CLASP1-related disorder. Also called: CLASP1-related condition.

Submission:

PreventionGenetics, part of Exact Sciences
Classification: Uncertain significance for CLASP1-related condition. Last evaluated: 2025-04-16. Review status: criteria provided, single submitter. Criteria: ACMG Guidelines, 2015. Collection method: clinical testing. Allele origin: germline.
Comment: The CLASP1 c.248A>G variant is predicted to result in the amino acid substitution p.Asp83Gly. To our knowledge, this variant has not been reported in the literature or in a large population database (gnomAD), indicating this variant is rare. At this time, the clinical significance of this variant is uncertain due to the absence of conclusive functional and genetic evidence.

NM_001395891.1(CLASP1):c.248A>G (p.Asp83Gly)

Genes: CLASP1 (cytoplasmic linker associated protein 1; minus strand), CLASP1-AS1 (CLASP1 antisense RNA 1; plus strand). Cytogenetic location: 2q14.2.
Variant type: single nucleotide variant.
Coding change: c.248A>G on transcript NM_001395891.1 (MANE Select); coding-DNA position 248, A replaced by G.
Protein change: p.Asp83Gly; replaces aspartic acid 83 with glycine.
Molecular consequence: missense variant.
Genome position (GRCh38, 1-based): chr2:121,530,273, T>C on the plus strand (A>G on the coding strand, the complement: CLASP1 is on the minus strand). VCF-style: chr2-121530273-T-C. GRCh37 (hg19) VCF-style: chr2-122287849-T-C.
Other names: c.248A>G, p.Asp83Gly (NM_001142273.2, NM_001142274.2, NM_001207051.2 and 4 more transcripts); short protein forms D83G.
Identifiers: ClinVar variation 5000555 (VCV005000555.1).